The following is an entry in ClinVar:

ClinVar aggregate classification (germline): Uncertain significance (1 of 4 stars; one submission).

Conditions:
Neurodevelopmental disorder with dysmorphic facies and distal limb anomalies. Identifiers: Orphanet 686482, MedGen C4540327, MONDO:0060596, OMIM 617755.

Submission:

Laboratorio de Genetica e Diagnostico Molecular, Hospital Israelita Albert Einstein
Classification: Uncertain significance for Neurodevelopmental disorder with dysmorphic facies and distal limb anomalies. Last evaluated: 2025-05-20. Review status: criteria provided, single submitter. Criteria: ACMG Guidelines, 2015. Collection method: clinical testing. Allele origin: germline. Affected: yes.
Comment: ACMG classification criteria: PM2 supporting, PP2 supporting, BP4 supporting

NM_182641.4(BPTF):c.3977T>G (p.Val1326Gly)

Gene: BPTF (bromodomain PHD finger transcription factor; plus strand). Cytogenetic location: 17q24.2.
Variant type: single nucleotide variant.
Coding change: c.3977T>G on transcript NM_182641.4 (MANE Select); coding-DNA position 3977, T replaced by G.
Protein change: p.Val1326Gly; replaces valine 1326 with glycine.
Molecular consequence: missense variant.
Genome position (GRCh38, 1-based): chr17:67,911,861, T>G. VCF-style: chr17-67911861-T-G. GRCh37 (hg19) VCF-style: chr17-65907977-T-G.
Other names: c.4355T>G, p.Val1452Gly (NM_004459.7); short protein forms V1326G, V1452G.
Identifiers: ClinVar variation 3901937 (VCV003901937.1).